The following is an entry in ClinVar:

NM_002472.3(MYH8):c.1907C>T (p.Ala636Val)

Genes: MYHAS (myosin heavy chain gene cluster antisense RNA; plus strand), MYH8 (myosin heavy chain 8; minus strand). Cytogenetic location: 17p13.1.
Variant type: single nucleotide variant.
Coding change: c.1907C>T on transcript NM_002472.3 (MANE Select); coding-DNA position 1907, C replaced by T.
Protein change: p.Ala636Val; replaces alanine 636 with valine.
Molecular consequence: missense variant.
Genome position (GRCh38, 1-based): chr17:10,409,155, G>A on the plus strand (C>T on the coding strand, the complement: MYH8 is on the minus strand). VCF-style: chr17-10409155-G-A. GRCh37 (hg19) VCF-style: chr17-10312472-G-A.
Other names: short protein forms A636V.
Identifiers: ClinVar variation 129671 (VCV000129671.12), dbSNP rs34693726, ClinGen allele CA153816.

ClinVar aggregate classification (germline): Benign. Review status: criteria provided, multiple submitters, no conflicts (2 of 4 stars). 5 submissions from 5 submitters: Benign (5). Last evaluated 2019-10-28.

Conditions:
Hecht syndrome (DA7). Also called: MOUTH, INABILITY TO OPEN COMPLETELY, AND SHORT FINGER-FLEXOR TENDONS; Dutch-Kentucky syndrome. Identifiers: Orphanet 3377, MedGen C0265226, MONDO:0008016, OMIM 158300. Disease mechanism: gain of function.

Allele frequency attached by ClinVar (database versions not stated): TOPMed 0.05084; gnomAD 0.05120 and 0.05334; ESP Exome Variant Server 0.05567; 1000 Genomes Project 30x 0.05746; gnomAD exomes 0.05795 and 0.05893; ExAC 0.05924; 1000 Genomes Project 0.05970.

Submissions (5):

GeneDx
Classification: Benign. Last evaluated: 2019-10-28. Review status: criteria provided, single submitter. Criteria: GeneDx Variant Classification Process June 2021. Collection method: clinical testing. Allele origin: germline. Affected: yes.

Illumina Laboratory Services, Illumina
Classification: Benign for Hecht syndrome. Last evaluated: 2018-01-12. Review status: criteria provided, single submitter. Criteria: ICSL Variant Classification Criteria 13 December 2019. Collection method: clinical testing. Allele origin: germline.
Comment: This variant was observed in the ICSL laboratory as part of a predisposition screen in an ostensibly healthy population. It had not been previously curated by ICSL or reported in the Human Gene Mutation Database (HGMD: prior to June 1st, 2018), and was therefore a candidate for classification through an automated scoring system. Utilizing variant allele frequency, disease prevalence and penetrance estimates, and inheritance mode, an automated score was calculated to assess if this variant is too frequent to cause the disease. Based on the score and internal cut-off values, a variant classified as benign is not then subjected to further curation. The score for this variant resulted in a classification of benign for this disease.

Genetic Services Laboratory, University of Chicago
Classification: Benign for AllHighlyPenetrant. Last evaluated: 2013-08-15. Review status: criteria provided, single submitter. Criteria: ACMG Guidelines, 2007. Collection method: clinical testing. Allele origin: germline. Inheritance: Autosomal dominant inheritance.

Breakthrough Genomics
Classification: Benign. Review status: criteria provided, single submitter. Criteria: ACMG Guidelines, 2015. Collection method: not provided. Allele origin: germline. Inheritance: Autosomal dominant inheritance. Affected: yes.

PreventionGenetics, part of Exact Sciences
Classification: Benign. Review status: criteria provided, single submitter. Criteria: ACMG Guidelines, 2015. Collection method: clinical testing. Allele origin: germline.